The following is an entry in ClinVar:

NM_005612.5(REST):c.2053A>G (p.Met685Val)

Gene: REST (RE1 silencing transcription factor; plus strand). Cytogenetic location: 4q12.
Variant type: single nucleotide variant.
Coding change: c.2053A>G on transcript NM_005612.5 (MANE Select); coding-DNA position 2053, A replaced by G.
Protein change: p.Met685Val; replaces methionine 685 with valine.
Molecular consequence: missense variant.
Genome position (GRCh38, 1-based): chr4:56,930,911, A>G. VCF-style: chr4-56930911-A-G. GRCh37 (hg19) VCF-style: chr4-57797077-A-G.
Other names: c.2053A>G, p.Met685Val (NM_001193508.2, NM_001363453.3); short protein forms M685V.
Identifiers: ClinVar variation 2181622 (VCV002181622.5), dbSNP rs778305540, ClinGen allele CA2932394.
Genomic context (GRCh38, chr4:56,930,911, plus strand): 5'-GAGCTGCTGCCTCCCGTGGAGCCTGCTCAGATGGTGGGTGCCCAAATTGTACTTGCTCAC[A>G]TGGAGCTGCCTCCTCCCATGGAGACTGCTCAGACGGAGGTTGCCCAAATGGGGCCTGCTC-3'
Protein context (NP_005603.3, residues 675-695): MVGAQIVLAH[Met685Val]ELPPPMETAQ

ClinVar aggregate classification (germline): Uncertain significance. Review status: criteria provided, multiple submitters, no conflicts (2 of 4 stars). 2 submissions from 2 submitters: Uncertain significance (2). Last evaluated 2024-12-04.

Conditions:
Fibromatosis, gingival, 5. Also called: FIBROMATOSIS, GINGIVAL, HEREDITARY, 5. Identifiers: MedGen C4539942, MONDO:0033493, OMIM 617626.
Wilms tumor 6 (WT6). Also called: WILMS TUMOR 6, SUSCEPTIBILITY TO. Identifiers: Orphanet 654, MedGen C3891301, MONDO:0014779, OMIM 616806.
Autosomal dominant nonsyndromic hearing loss 27. Also called: Deafness, autosomal dominant 27. Identifiers: Orphanet 90635, MedGen C3887929, MONDO:0012902, OMIM 612431.

Allele frequency attached by ClinVar (database versions not stated): TOPMed below 0.00001; ExAC 0.00001; gnomAD 0.00001; gnomAD exomes 0.00001.

Submissions (2):

Labcorp Genetics (formerly Invitae), Labcorp
Classification: Uncertain significance. Last evaluated: 2024-12-04. Review status: criteria provided, single submitter. Criteria: Invitae Variant Classification Sherloc (09022015). Collection method: clinical testing. Allele origin: germline.
Comment: This sequence change replaces methionine, which is neutral and non-polar, with valine, which is neutral and non-polar, at codon 685 of the REST protein (p.Met685Val). This variant is present in population databases (rs778305540, gnomAD 0.006%). This variant has not been reported in the literature in individuals affected with REST-related conditions. ClinVar contains an entry for this variant (Variation ID: 2181622). An algorithm developed to predict the effect of missense changes on protein structure and function outputs the following: PolyPhen-2: "Benign". The valine amino acid residue is found in multiple mammalian species, which suggests that this missense change does not adversely affect protein function. In summary, the available evidence is currently insufficient to determine the role of this variant in disease. Therefore, it has been classified as a Variant of Uncertain Significance.

Fulgent Genetics
Classification: Uncertain significance for Autosomal dominant nonsyndromic hearing loss 27; Wilms tumor 6; Fibromatosis, gingival, 5. Last evaluated: 2024-02-22. Review status: criteria provided, single submitter. Criteria: ACMG Guidelines, 2015. Collection method: clinical testing. Allele origin: germline.